The following is an entry in ClinVar:

NM_020778.5(ALPK3):c.1226A>C (p.Gln409Pro)

Gene: ALPK3 (alpha kinase 3; plus strand). Cytogenetic location: 15q25.3.
Variant type: single nucleotide variant.
Coding change: c.1226A>C on transcript NM_020778.5 (MANE Select); coding-DNA position 1226, A replaced by C.
Protein change: p.Gln409Pro; replaces glutamine 409 with proline.
Molecular consequence: missense variant.
Genome position (GRCh38, 1-based): chr15:84,840,505, A>C. VCF-style: chr15-84840505-A-C. GRCh37 (hg19) VCF-style: chr15-85383736-A-C.
Other names: short protein forms Q409P.
Identifiers: ClinVar variation 1936647 (VCV001936647.5), dbSNP rs765187060, ClinGen allele CA393374897.

ClinVar aggregate classification (germline): Uncertain significance (1 of 4 stars; one submission).

gnomAD v4.1: 1 of 1,612,244 alleles (0.000062%); no homozygotes.

Submission:

Labcorp Genetics (formerly Invitae), Labcorp
Classification: Uncertain significance. Last evaluated: 2021-12-19. Review status: criteria provided, single submitter. Criteria: Invitae Variant Classification Sherloc (09022015). Collection method: clinical testing. Allele origin: germline.
Comment: In summary, the available evidence is currently insufficient to determine the role of this variant in disease. Therefore, it has been classified as a Variant of Uncertain Significance. This sequence change replaces glutamine, which is neutral and polar, with proline, which is neutral and non-polar, at codon 611 of the ALPK3 protein (p.Gln611Pro). This variant is present in population databases (no rsID available, gnomAD 0.01%). This variant has not been reported in the literature in individuals affected with ALPK3-related conditions. Algorithms developed to predict the effect of missense changes on protein structure and function output the following: SIFT: "Tolerated"; PolyPhen-2: "Benign"; Align-GVGD: "Class C0". The proline amino acid residue is found in multiple mammalian species, which suggests that this missense change does not adversely affect protein function.